The following continues an entry in ClinVar:

NM_000218.3(KCNQ1):c.520C>T (p.Arg174Cys)

Gene: KCNQ1. ClinVar aggregate classification (germline): Pathogenic/Likely pathogenic. Pathogenic (12); Likely pathogenic (2).

Submissions 7 to 16 of 16:

Color Diagnostics, LLC DBA Color Health
Classification: Pathogenic for Cardiac arrhythmia. Last evaluated: 2024-07-10. Review status: criteria provided, single submitter. Criteria: ACMG Guidelines, 2015. Collection method: clinical testing. Allele origin: germline.
Comment: This missense variant replaces arginine with cysteine at codon 174 of the KCNQ1 protein. This variant is found within the highly conserved cytoplasmic linker region (a.a. 169-196) between transmembrane domains S2 and S3. Rare non-truncating variants in this region have been shown to be significantly overrepresented in individuals with long QT syndrome (PMID: 32893267). Functional studies have shown that this variant results in a severe trafficking defect, complete loss of surface expression and channel current (PMID: 9312006, 19934648, 29449639, 29532034). This variant has been reported in multiple unrelated individuals affected with long QT syndrome (PMID: 11668638, 23130128, 27251404, 29449639, 2383558, 32893267), as well as in a few individuals suspected of having this condition (PMID: 15840476, 19716085, 38489124). This variant has also been reported in the homozygous and compound heterozygous states in individuals affected with Jervell and Lange-Nielsen syndrome (PMID: 23392653, 29037160, 31427586). This variant has been identified in 1/249462 chromosomes in the general population by the Genome Aggregation Database (gnomAD). Based on the available evidence, this variant is classified as Pathogenic.

Molecular Genetics Laboratory - Cardiogenetics, CHU de Nantes
Classification: Pathogenic for Long QT syndrome 1. Last evaluated: 2023-08-01. Review status: criteria provided, single submitter. Criteria: ACMG Guidelines, 2015. Collection method: clinical testing. Allele origin: germline. Affected: yes.

Blueprint Genetics
Classification: Pathogenic for KCNQ1-related disorders. Last evaluated: 2023-02-13. Review status: criteria provided, single submitter. Criteria: ACMG Guidelines, 2015. Collection method: clinical testing. Allele origin: germline. Affected: yes. Observed: 5 variant alleles.

Johns Hopkins Genomics, Johns Hopkins University
Classification: Pathogenic for Long QT syndrome 1. Last evaluated: 2022-11-27. Review status: criteria provided, single submitter. Criteria: ACMG Guidelines, 2015. Collection method: clinical testing. Allele origin: germline.
Comment: This KCNQ1 variant (rs199472696) is rare (<0.1%) in a large population dataset (gnomAD: 1/249462 total alleles; 0.0004%; no homozygotes) and has been reported in ClinVar5. This variant has been reported in the literature in multiple unrelated individuals affected with long QT syndrome. Alterations of the same codon have also been reported in individuals with LQT1. Experimental studies have shown that this amino acid substitution (p.Arg174Cys) adversely affects KCNQ1 channel function. Bioinformatic analysis predicts that this missense variant would not affect normal exon 3 splicing, although this has not been confirmed experimentally to our knowledge. We consider c.520C>T to be pathogenic.

GeneDx
Classification: Pathogenic. Last evaluated: 2021-12-14. Review status: criteria provided, single submitter. Criteria: GeneDx Variant Classification Process June 2021. Collection method: clinical testing. Allele origin: germline. Affected: yes.
Comment: Not observed at significant frequency in large population cohorts (Lek et al., 2016); In silico analysis supports that this missense variant has a deleterious effect on protein structure/function; Published in vitro functional studies demonstrate a damaging effect as the p.(R174C) variant impairs potassium channel regulation and function (Chouabe et al., 1997; Matavel et al., 2010; Wu et al., 2018); Reported in ClinVar as a pathogenic variant (ClinVar Variant ID# 53058; Landrum et al., 2016); This variant is associated with the following publications: (PMID: 9312006, 23130128, 10973849, 15840476, 9386136, 26986070, 26907222, 29532034, 22581653, 19841300, 19716085, 19934648, 23392653, 27251404, 23728945, 26669661, 19815527, 27761162, 29037160, 29033053, 29449639, 11668638, 31737537, 32383558)

Mayo Clinic Laboratories, Mayo Clinic
Classification: Pathogenic. Last evaluated: 2021-11-02. Review status: criteria provided, single submitter. Criteria: ACMG Guidelines, 2015. Collection method: clinical testing. Allele origin: germline.
Comment: PP3, PM2_supporting, PM3, PS3, PS4_moderate

Fulgent Genetics
Classification: Likely pathogenic for Beckwith-Wiedemann syndrome; Long QT syndrome 1; Jervell and Lange-Nielsen syndrome 1; Atrial fibrillation, familial, 3; Short QT syndrome type 2. Last evaluated: 2021-10-11. Review status: criteria provided, single submitter. Criteria: ACMG Guidelines, 2015. Collection method: clinical testing. Allele origin: unknown.

Juno Genomics, Hangzhou Juno Genomics, Inc
Classification: Likely pathogenic for Long QT syndrome 1. Review status: criteria provided, single submitter. Criteria: ACMG Guidelines, 2015. Collection method: clinical testing. Allele origin: germline.
Comment: Absent from controls (or at extremely low frequency if recessive) in Genome Aggregation Database.;Multiple lines of computational evidence support a deleterious effect on the gene or gene product.;For recessive disorders, detected in trans with a pathogenic variant.;The prevalence of the variant in affected individuals is significantly increased compared to the prevalence in controls.;Well-established in vitro or in vivo functional studies supportive of a damaging effect on the gene or gene product.

Clinical Molecular Genetics Laboratory, Johns Hopkins All Children's Hospital
Classification: Pathogenic for Long QT syndrome. Last evaluated: 2015-09-10. Review status: no assertion criteria provided. Collection method: clinical testing. Allele origin: germline. Affected: yes. Not counted in ClinVar's aggregate classification.

Cardiovascular Biomedical Research Unit, Royal Brompton & Harefield NHS Foundation Trust
No classification provided. Condition: Familial long QT syndrome. Review status: no classification provided. Collection method: literature only. Allele origin: germline. Not counted in ClinVar's aggregate classification.
Comment: This variant has been reported as associated with Long QT syndrome in the following publications (PMID:9386136;PMID:11668638;PMID:15840476;PMID:19716085;PMID:19934648). This is a literature report, and does not necessarily reflect the clinical interpretation of the Imperial College / Royal Brompton Cardiovascular Genetics laboratory.

Literature cited by the submitters: PubMed 10973849 (cited by Women's Health and Genetics/Laboratory Corporation of America, LabCorp and 3billion); PubMed 15840476 (cited by 6 submitters); PubMed 23392653 (cited by 4 submitters); PubMed 9312006 (cited by 6 submitters); PubMed 9386136 (cited by 5 submitters); PubMed 19934648 (cited by 7 submitters); PubMed 11668638 (cited by 5 submitters); PubMed 19716085 (cited by 5 submitters); PubMed 23130128 (cited by 4 submitters); PubMed 10728423 (cited by Ambry Genetics); PubMed 29037160 (cited by 3 submitters); PubMed 29449639 (cited by 4 submitters); PubMed 29532034 (cited by 3 submitters); PubMed 31427586 (cited by Ambry Genetics and Color Diagnostics, LLC DBA Color Health); PubMed 31737537 (cited by Ambry Genetics and Mayo Clinic Laboratories, Mayo Clinic); PubMed 32383558 (cited by Ambry Genetics); PubMed 27251404 (cited by All of Us Research Program, National Institutes of Health and Color Diagnostics, LLC DBA Color Health); PubMed 2383558 (cited by Color Diagnostics, LLC DBA Color Health); PubMed 32893267 (cited by Color Diagnostics, LLC DBA Color Health); PubMed 38489124 (cited by Color Diagnostics, LLC DBA Color Health); PubMed 22581653 (cited by Cardiovascular Biomedical Research Unit, Royal Brompton & Harefield NHS Foundation Trust).